The following is an entry in ClinVar:

ClinVar aggregate classification (germline): Likely benign (0 of 4 stars; one submission).

Conditions:
MYO9A-related disorder. Also called: MYO9A-related condition.

Allele frequency attached by ClinVar (database versions not stated): gnomAD 0.00007; TOPMed 0.00012; gnomAD exomes 0.00013; ExAC 0.00021; ESP Exome Variant Server 0.00023.
gnomAD v4.1: 197 of 1,614,020 alleles (0.012%); highest among the groups gnomAD compares: Non-Finnish European, 0.016%; no homozygotes.

Submission:

PreventionGenetics, part of Exact Sciences
Classification: Likely benign for MYO9A-related condition. Last evaluated: 2019-03-28. Review status: no assertion criteria provided. Collection method: clinical testing. Allele origin: germline.
Comment: This variant is classified as likely benign based on ACMG/AMP sequence variant interpretation guidelines (Richards et al. 2015 PMID: 25741868, with internal and published modifications).

NM_006901.4(MYO9A):c.6999G>A (p.Glu2333=)

Gene: MYO9A (myosin IXA; minus strand). Cytogenetic location: 15q23.
Variant type: single nucleotide variant.
Coding change: c.6999G>A on transcript NM_006901.4 (MANE Select); coding-DNA position 6999, G replaced by A.
Protein change: p.Glu2333=; no amino-acid change (glutamic acid 2333 retained).
Molecular consequence: synonymous variant.
Genome position (GRCh38, 1-based): chr15:71,830,150, C>T on the plus strand (G>A on the coding strand, the complement: MYO9A is on the minus strand). VCF-style: chr15-71830150-C-T. GRCh37 (hg19) VCF-style: chr15-72122491-C-T.
Identifiers: ClinVar variation 3046947 (VCV003046947.2), dbSNP rs150553740, ClinGen allele CA7640733.